The following is an entry in ClinVar:

ClinVar aggregate classification (germline): Uncertain significance. Review status: criteria provided, multiple submitters, no conflicts (2 of 4 stars). 3 submissions from 3 submitters: Uncertain significance (3). Last evaluated 2025-07-31.

Conditions:
Hereditary cancer-predisposing syndrome. Also called: Neoplastic Syndromes, Hereditary; Tumor predisposition; Hereditary Cancer Syndrome; Hereditary neoplastic syndrome. Identifiers: Orphanet 140162, MedGen C0027672, MeSH D009386, MONDO:0015356.
Familial adenomatous polyposis 1 (FAP1). Also called: FAMILIAL ADENOMATOUS POLYPOSIS 1, ATTENUATED; POLYPOSIS, ADENOMATOUS INTESTINAL. Identifiers: MedGen C2713442, MONDO:0021056, OMIM 175100. Disease mechanism: loss of function.

Allele frequency attached by ClinVar (database versions not stated): gnomAD 0.00001.
gnomAD v4.1: 1 of 1,613,850 alleles (0.000062%); highest among the groups gnomAD compares: African/African-American, 0.0013%; no homozygotes.

Submissions (3):

Labcorp Genetics (formerly Invitae), Labcorp
Classification: Uncertain significance for Familial adenomatous polyposis 1. Last evaluated: 2025-07-31. Review status: criteria provided, single submitter. Criteria: Invitae Variant Classification Sherloc (09022015). Collection method: clinical testing. Allele origin: germline.
Comment: This sequence change replaces methionine, which is neutral and non-polar, with leucine, which is neutral and non-polar, at codon 2419 of the APC protein (p.Met2419Leu). This variant is present in population databases (no rsID available, gnomAD 0.01%). This variant has not been reported in the literature in individuals affected with APC-related conditions. ClinVar contains an entry for this variant (Variation ID: 1757937). Invitae Evidence Modeling of protein sequence and biophysical properties (such as structural, functional, and spatial information, amino acid conservation, physicochemical variation, residue mobility, and thermodynamic stability) indicates that this missense variant is not expected to disrupt APC protein function with a negative predictive value of 95%. In summary, the available evidence is currently insufficient to determine the role of this variant in disease. Therefore, it has been classified as a Variant of Uncertain Significance.

Baylor Genetics
Classification: Uncertain significance for Familial adenomatous polyposis 1. Last evaluated: 2023-12-20. Review status: criteria provided, single submitter. Criteria: ACMG Guidelines, 2015. Collection method: clinical testing. Allele origin: unknown.

Ambry Genetics
Classification: Uncertain significance for Hereditary cancer-predisposing syndrome. Last evaluated: 2022-03-06. Review status: criteria provided, single submitter. Criteria: Ambry Variant Classification Scheme 2023. Collection method: clinical testing. Allele origin: germline.
Comment: The p.M2419L variant (also known as c.7255A>T), located in coding exon 15 of the APC gene, results from an A to T substitution at nucleotide position 7255. The methionine at codon 2419 is replaced by leucine, an amino acid with highly similar properties. This amino acid position is conserved. In addition, in silico predictors for this gene do not accurately predict pathogenicity. Since supporting evidence is limited at this time, the clinical significance of this alteration remains unclear.

NM_000038.6(APC):c.7255A>T (p.Met2419Leu)

Gene: APC (APC regulator of Wnt signaling pathway; plus strand). Cytogenetic location: 5q22.2.
Variant type: single nucleotide variant.
Coding change: c.7255A>T on transcript NM_000038.6 (MANE Select); coding-DNA position 7255, A replaced by T.
Protein change: p.Met2419Leu; replaces methionine 2419 with leucine.
Molecular consequence: missense variant.
Genome position (GRCh38, 1-based): chr5:112,842,849, A>T. VCF-style: chr5-112842849-A-T. GRCh37 (hg19) VCF-style: chr5-112178546-A-T.
Other names: c.7255A>T, p.Met2419Leu (NM_001127510.3, NM_001354895.2, NM_001407450.1); c.7201A>T, p.Met2401Leu (NM_001127511.3); c.7309A>T, p.Met2437Leu (NM_001354896.2, NM_001407447.1, NM_001407448.1 and 1 more transcripts); c.7285A>T, p.Met2429Leu (NM_001354897.2); c.7180A>T, p.Met2394Leu (NM_001354898.2); c.7171A>T, p.Met2391Leu (NM_001354899.2); c.7132A>T, p.Met2378Leu (NM_001354900.2); c.7078A>T, p.Met2360Leu (NM_001354901.2, NM_001407453.1); and 11 more; short protein forms M2259L, M2293L, M2318L, M2328L, M2394L, M2401L, M2447L, M2035L.
Identifiers: ClinVar variation 1757937 (VCV001757937.8), dbSNP rs730881259, ClinGen allele CA16037134.